The following is an entry in ClinVar:

NM_001267550.2(TTN):c.3217C>T (p.Gln1073Ter)

Gene: TTN (titin; minus strand). Cytogenetic location: 2q31.2.
Variant type: single nucleotide variant.
Coding change: c.3217C>T on transcript NM_001267550.2 (MANE Select); coding-DNA position 3217, C replaced by T.
Protein change: p.Gln1073Ter; replaces glutamine 1073 with a stop codon.
Molecular consequence: nonsense.
Genome position (GRCh38, 1-based): chr2:178,782,375, G>A on the plus strand (C>T on the coding strand, the complement: TTN is on the minus strand). VCF-style: chr2-178782375-G-A. GRCh37 (hg19) VCF-style: chr2-179647102-G-A.
Other names: c.3217C>T, p.Gln1073Ter (NM_001256850.1, NM_133378.4, NM_133379.5); c.3079C>T, p.Gln1027Ter (NM_003319.4, NM_133432.3, NM_133437.4); short protein forms Q1027*, Q1073*.
Identifiers: ClinVar variation 2586541 (VCV002586541.5), dbSNP rs2092857726, ClinGen allele CA349487542.

ClinVar aggregate classification (germline): Likely pathogenic. Review status: criteria provided, multiple submitters, no conflicts (2 of 4 stars). 2 submissions from 2 submitters: Likely pathogenic (2). Last evaluated 2025-02-25.

Conditions:
Dilated cardiomyopathy 1G (CMD1G). Identifiers: Orphanet 154, MedGen C1858763, MONDO:0011400, OMIM 604145.
Autosomal recessive limb-girdle muscular dystrophy type 2J (LGMDR10). Also called: Limb-girdle muscular dystrophy, type 2J; MUSCULAR DYSTROPHY, LIMB-GIRDLE, AUTOSOMAL RECESSIVE 10. Identifiers: Orphanet 140922, MedGen C1837342, MONDO:0012127, OMIM 608807.
Cardiovascular phenotype. Identifiers: MedGen CN230736.

Submissions (2):

Ambry Genetics
Classification: Likely pathogenic for Cardiovascular phenotype. Last evaluated: 2025-02-25. Review status: criteria provided, single submitter. Criteria: Ambry Variant Classification Scheme 2023. Collection method: clinical testing. Allele origin: germline.
Comment: The p.Q1027* variant (also known as c.3079C>T), located in coding exon 18 of the TTN gene, results from a C to T substitution at nucleotide position 3079. This changes the amino acid from a glutamine to a stop codon within coding exon 18. This exon is located in the near Z-disk region of the N2-B isoform of the titin protein and is constitutively expressed in TTN transcripts (percent spliced in or PSI 100%). This variant is considered to be rare based on population cohorts in the Genome Aggregation Database (gnomAD). This variant is expected to result in loss of function by premature protein truncation or nonsense-mediated mRNA decay. While truncating variants in TTN are present in 1-3% of the general population, truncating variants in the A-band are the most common cause of dilated cardiomyopathy (Herman DS et al. N. Engl. J. Med., 2012 Feb;366:619-28; Roberts AM et al. Sci Transl Med, 2015 Jan;7:270ra6). TTN truncating variants encoded in constitutive exons (PSI >90%) have been found to be significantly associated with DCM regardless of their position in titin (Schafer S et al. Nat. Genet., 2017 01;49:46-53; Akhtar MM et al. Circ Heart Fail, 2020 Oct;13:e006832; Massier M et al. Clin Genet, 2025 Jan). Based on the majority of available evidence to date, this variant is likely to be pathogenic.

Labcorp Genetics (formerly Invitae), Labcorp
Classification: Likely pathogenic for Dilated cardiomyopathy 1G; Autosomal recessive limb-girdle muscular dystrophy type 2J. Last evaluated: 2025-01-14. Review status: criteria provided, single submitter. Criteria: Invitae Variant Classification Sherloc (09022015). Collection method: clinical testing. Allele origin: germline.
Comment: This sequence change creates a premature translational stop signal (p.Gln1073*) in the TTN gene. While this is not anticipated to result in nonsense mediated decay, it is expected to create a truncated TTN protein. This variant is not present in population databases (gnomAD no frequency). This variant has not been reported in the literature in individuals affected with TTN-related conditions. ClinVar contains an entry for this variant (Variation ID: 2586541). Algorithms developed to predict the effect of sequence changes on RNA splicing suggest that this variant may disrupt the consensus splice site. This variant is located in the Z band of TTN (PMID: 25589632). Truncating variants in this region have been reported in individuals affected with autosomal recessive centronuclear myopathy (PMID: 33449170, internal data). Truncating variants in this region have also been identified in individuals affected with autosomal dominant dilated cardiomyopathy and/or cardio-related conditions (PMID: 27869827, 32964742, internal data). In summary, the currently available evidence indicates that the variant is pathogenic, but additional data are needed to prove that conclusively. Therefore, this variant has been classified as Likely Pathogenic.

Literature cited by the submitters: PubMed 25589632 (cited by Labcorp Genetics (formerly Invitae), Labcorp); PubMed 33449170 (cited by Labcorp Genetics (formerly Invitae), Labcorp); PubMed 27869827 (cited by Labcorp Genetics (formerly Invitae), Labcorp); PubMed 32964742 (cited by Labcorp Genetics (formerly Invitae), Labcorp).